The following is an entry in ClinVar:

NM_015662.3(IFT172):c.3886G>A (p.Val1296Met)

Genes: IFT172 (intraflagellar transport 172; minus strand), LOC126806173 (BRD4-independent group 4 enhancer GRCh37_chr2:27676057-27677256; plus strand). Cytogenetic location: 2p23.3.
Variant type: single nucleotide variant.
Coding change: c.3886G>A on transcript NM_015662.3 (MANE Select); coding-DNA position 3886, G replaced by A.
Protein change: p.Val1296Met; replaces valine 1296 with methionine.
Molecular consequence: missense variant.
Genome position (GRCh38, 1-based): chr2:27,453,449, C>T on the plus strand (G>A on the coding strand, the complement: IFT172 is on the minus strand). VCF-style: chr2-27453449-C-T. GRCh37 (hg19) VCF-style: chr2-27676316-C-T.
Other names: c.3886G>A (NM_015662.1); short protein forms V1296M.
Identifiers: ClinVar variation 835613 (VCV000835613.13), dbSNP rs757728167, ClinGen allele CA1579830.
Genomic context (GRCh38, chr2:27,453,449, plus strand): 5'-TCCAGCACTTCTCCGCCAGGCCGCTGTTTCCAGAGTCTCGCACTTTGAGGTAGCAGTCCA[C>T]GGCACGGCTGTACTCTCCAGCCTGCTCCCAGTGTCGAGCTTGTTCCACAAATCCCTCCAC-3'
Protein context (NP_056477.1, residues 1286-1306): WEQAGEYSRA[Val1296Met]DCYLKVRDSG

ClinVar aggregate classification (germline): Uncertain significance. Review status: criteria provided, multiple submitters, no conflicts (2 of 4 stars). 3 submissions from 3 submitters: Uncertain significance (3). Last evaluated 2024-12-04.

Conditions:
Retinitis pigmentosa (RP). Identifiers: Orphanet 791, MedGen C0035334, MeSH D012174, MONDO:0019200, OMIM 268000. Inheritance: Autosomal dominant, autosomal recessive and X linked inheritance.
Retinitis pigmentosa 71 (RP71). Identifiers: Orphanet 791, MedGen C4225342, MONDO:0014618, OMIM 616394.
Short-rib thoracic dysplasia 10 with or without polydactyly (SRTD10). Identifiers: Orphanet 474, MedGen C3810175, MONDO:0014284, OMIM 615630.
Inborn genetic diseases. Identifiers: MedGen C0950123, MeSH D030342.

Allele frequency attached by ClinVar (database versions not stated): gnomAD 0.00001; gnomAD exomes 0.00001 and 0.00002; TOPMed 0.00001; ExAC 0.00002.
gnomAD v4.1: 13 of 1,614,048 alleles (0.00081%); highest among the groups gnomAD compares: South Asian, 0.0044%; no homozygotes.

Submissions (3):

Ambry Genetics
Classification: Uncertain significance for Inborn genetic diseases. Last evaluated: 2024-12-04. Review status: criteria provided, single submitter. Criteria: Ambry Variant Classification Scheme 2023. Collection method: clinical testing. Allele origin: germline.

Labcorp Genetics (formerly Invitae), Labcorp
Classification: Uncertain significance for Retinitis pigmentosa 71; Short-rib thoracic dysplasia 10 with or without polydactyly. Last evaluated: 2022-08-15. Review status: criteria provided, single submitter. Criteria: Invitae Variant Classification Sherloc (09022015). Collection method: clinical testing. Allele origin: germline.
Comment: This sequence change replaces valine, which is neutral and non-polar, with methionine, which is neutral and non-polar, at codon 1296 of the IFT172 protein (p.Val1296Met). This variant is present in population databases (rs757728167, gnomAD 0.006%). In summary, the available evidence is currently insufficient to determine the role of this variant in disease. Therefore, it has been classified as a Variant of Uncertain Significance. This variant has not been reported in the literature in individuals affected with IFT172-related conditions. ClinVar contains an entry for this variant (Variation ID: 835613). Algorithms developed to predict the effect of missense changes on protein structure and function are either unavailable or do not agree on the potential impact of this missense change (SIFT: "Deleterious"; PolyPhen-2: "Probably Damaging"; Align-GVGD: "Class C0").

Broad Center for Mendelian Genomics, Broad Institute of MIT and Harvard
Classification: Uncertain significance for Retinitis pigmentosa. Last evaluated: 2021-04-01. Review status: criteria provided, single submitter. Criteria: ACMG Guidelines, 2015. Collection method: curation. Allele origin: germline. Inheritance: Autosomal recessive inheritance. Affected: yes.
Comment: Through a review of available evidence we were able to apply the following criteria: PM2. Based on this evidence we have classified this variant as a Variant of Uncertain Significance. If you have any questions about the classification please reach out to the Pierce Lab.

Literature cited by the submitters: PubMed 34906470 (cited by Broad Center for Mendelian Genomics, Broad Institute of MIT and Harvard).